The following is an entry in ClinVar:

NM_001267550.2(TTN):c.64249_64253dup (p.Tyr21418Ter)

Genes: TTN (titin; minus strand), TTN-AS1 (TTN antisense RNA 1; plus strand). Cytogenetic location: 2q31.2.
Variant type: Duplication.
Coding change: c.64249_64253dup on transcript NM_001267550.2 (MANE Select); coding-DNA positions 64249 to 64253, 5 bases duplicated (GAGTA; older notation c.64249_64253dupGAGTA).
Protein change: p.Tyr21418Ter; replaces tyrosine 21418 with a stop codon.
Molecular consequence: nonsense.
Genome position (GRCh38, 1-based): chr2:178,586,648-178,586,652, TACTC duplicated on the plus strand (GAGTA on the coding strand, the reverse complement: TTN is on the minus strand); duplicating any 5 consecutive bases within chr2:178,586,648-178,586,653 gives the same sequence; the c. name uses the placement nearest the transcript's 3' end. VCF-style (leftmost placement, unchanged base first): chr2-178586647-G-GTACTC. GRCh37 (hg19) VCF-style: chr2-179451374-G-GTACTC.
Other names: c.59326_59330dupGAGTA (NM_001256850.1); c.59326_59330dup, p.Tyr19777Ter (NM_001256850.1); c.37054_37058dup, p.Tyr12353Ter (NM_003319.4); c.56545_56549dup, p.Tyr18850Ter (NM_133378.4); c.37429_37433dup, p.Tyr12478Ter (NM_133432.3); c.37630_37634dup, p.Tyr12545Ter (NM_133437.4); c.37054_37058dupGAGTA (NM_003319.4); c.64249_64253dup (NM_001267550.1); short protein forms Y12353*, Y18850*, Y21418*, Y12478*, Y12545*, Y19777*.
Identifiers: ClinVar variation 202456 (VCV000202456.16), dbSNP rs794729329, ClinGen allele CA309418.

ClinVar aggregate classification (germline): Pathogenic. Review status: criteria provided, multiple submitters, no conflicts (2 of 4 stars). 3 submissions from 3 submitters: Pathogenic (3). Last evaluated 2025-12-30.

Conditions:
Cardiovascular phenotype. Identifiers: MedGen CN230736.
Dilated cardiomyopathy 1G (CMD1G). Identifiers: Orphanet 154, MedGen C1858763, MONDO:0011400, OMIM 604145.
Autosomal recessive limb-girdle muscular dystrophy type 2J (LGMDR10). Also called: MUSCULAR DYSTROPHY, LIMB-GIRDLE, AUTOSOMAL RECESSIVE 10; Limb-girdle muscular dystrophy, type 2J. Identifiers: Orphanet 140922, MedGen C1837342, MONDO:0012127, OMIM 608807.

Submissions (3):

Ambry Genetics
Classification: Pathogenic for Cardiovascular phenotype. Last evaluated: 2025-12-30. Review status: criteria provided, single submitter. Criteria: Ambry Variant Classification Scheme 2023. Collection method: clinical testing. Allele origin: germline.
Comment: The c.37054_37058dupGAGTA pathogenic mutation, located in coding exon 135 of the TTN gene, results from a duplication of GAGTA at nucleotide position 37054, causing a translational frameshift with a predicted alternate stop codon (p.Y12353*). This exon is located in the A-band region of the N2-B isoform of the titin protein and is constitutively expressed in TTN transcripts (percent spliced in or PSI 100%). This variant was reported in individual(s) with features consistent with dilated cardiomyopathy (external communication). This variant is considered to be rare based on population cohorts in the Genome Aggregation Database (gnomAD). This variant is expected to result in loss of function by premature protein truncation or nonsense-mediated mRNA decay. While truncating variants in TTN are present in 1-3% of the general population, truncating variants in the A-band are the most common cause of dilated cardiomyopathy (Herman DS et al. N. Engl. J. Med., 2012 Feb;366:619-28; Roberts AM et al. Sci Transl Med, 2015 Jan;7:270ra6). TTN truncating variants encoded in constitutive exons (PSI >90%) have been found to be significantly associated with DCM regardless of their position in titin (Schafer S et al. Nat. Genet., 2017 01;49:46-53; Akhtar MM et al. Circ Heart Fail, 2020 Oct;13:e006832; Massier M et al. Clin Genet, 2025 Jan). Based on the supporting evidence, this variant is interpreted as a disease-causing mutation.

Labcorp Genetics (formerly Invitae), Labcorp
Classification: Pathogenic for Dilated cardiomyopathy 1G; Autosomal recessive limb-girdle muscular dystrophy type 2J. Last evaluated: 2025-12-23. Review status: criteria provided, single submitter. Criteria: Invitae Variant Classification Sherloc (09022015). Collection method: clinical testing. Allele origin: germline.
Comment: This sequence change creates a premature translational stop signal (p.Tyr21418*) in the TTN gene. While this is not anticipated to result in nonsense mediated decay, it is expected to create a truncated TTN protein. This variant is not present in population databases (gnomAD no frequency). This premature translational stop signal has been observed in individuals with dilated cardiomyopathy (internal data). ClinVar contains an entry for this variant (Variation ID: 202456). This variant is located in the A band of TTN (PMID: 25589632). Truncating variants in this region are significantly overrepresented in patients affected with dilated cardiomyopathy (PMID: 25589632). Truncating variants in this region have also been reported in individuals affected with autosomal recessive centronuclear myopathy (PMID: 23975875). For these reasons, this variant has been classified as Pathogenic.

GeneDx
Classification: Pathogenic. Last evaluated: 2024-03-29. Review status: criteria provided, single submitter. Criteria: GeneDx Variant Classification Process June 2021. Collection method: clinical testing. Allele origin: germline. Affected: yes.
Comment: Nonsense variant predicted to result in protein truncation or nonsense mediated decay in a gene for which loss of function is a known mechanism of disease; Located in the A-band region of TTN in which the majority of loss of function variants have been associated with autosomal dominant titinopathies (PMID: 22335739); Not observed at significant frequency in large population cohorts (gnomAD); Has not been previously published as pathogenic or benign to our knowledge; This variant is associated with the following publications: (PMID: 22335739)

Literature cited by the submitters: PubMed 25589632 (cited by Labcorp Genetics (formerly Invitae), Labcorp); PubMed 23975875 (cited by Labcorp Genetics (formerly Invitae), Labcorp).